The following is an entry in ClinVar:

NM_018122.5(DARS2):c.1841T>C (p.Met614Thr)

Gene: DARS2 (aspartyl-tRNA synthetase 2, mitochondrial; plus strand). Cytogenetic location: 1q25.1.
Variant type: single nucleotide variant.
Coding change: c.1841T>C on transcript NM_018122.5 (MANE Select); coding-DNA position 1841, T replaced by C.
Protein change: p.Met614Thr; replaces methionine 614 with threonine.
Molecular consequence: missense variant.
Genome position (GRCh38, 1-based): chr1:173,857,608, T>C. VCF-style: chr1-173857608-T-C. GRCh37 (hg19) VCF-style: chr1-173826746-T-C.
Other names: c.1688T>C, p.Met563Thr (NM_001365212.1); short protein forms M563T, M614T.
Identifiers: ClinVar variation 3377000 (VCV003377000.1).

ClinVar aggregate classification (germline): Uncertain significance (1 of 4 stars; one submission).

Conditions:
Leukoencephalopathy with brain stem and spinal cord involvement-high lactate syndrome (LBSL). Also called: Leukoencephalopathy with Brainstem and Spinal Cord Involvement and Lactate Elevation; MITOCHONDRIAL ASPARTYL-tRNA SYNTHETASE DEFICIENCY; LEUKOENCEPHALOPATHY WITH BRAINSTEM AND SPINAL CORD INVOLVEMENT AND LACTATE ELEVATION, MILD. Identifiers: Orphanet 137898, MedGen C1970180, MONDO:0012622, OMIM 611105.

gnomAD v4.1: 2 of 1,614,178 alleles (0.00012%); highest among the groups gnomAD compares: Non-Finnish European, 0.00017%; no homozygotes.

Submission:

Victorian Clinical Genetics Services, Murdoch Childrens Research Institute
Classification: Uncertain significance for Leukoencephalopathy with brain stem and spinal cord involvement-high lactate syndrome. Last evaluated: 2024-10-09. Review status: criteria provided, single submitter. Criteria: ACMG Guidelines, 2015. Collection method: clinical testing. Allele origin: germline. Inheritance: Autosomal recessive inheritance. Affected: yes.
Comment: Based on the classification scheme VCGS_Germline_v1.3.4, this variant is classified as VUS-3B. Following criteria are met: 0102 - Loss of function is a known mechanism of disease in this gene and is associated with leukoencephalopathy with brain stem and spinal cord involvement and lactate elevation (LBSL, MIM#611105). (I) 0106 - This gene is associated with autosomal recessive disease. (I) 0200 - Variant is predicted to result in a missense amino acid change from methionine to threonine. (I) 0251 - This variant is heterozygous. (I) 0301 - Variant is absent from gnomAD (both v2 and v3). (SP) 0501 - Missense variant consistently predicted to be damaging by multiple in silico tools or highly conserved with a major amino acid change. (SP) 0604 - Variant is not located in an established domain, motif, hotspot or informative constraint region. (I) 0705 - No comparable missense variants have previous evidence for pathogenicity. (I) 0807 - This variant has no previous evidence of pathogenicity. (I) 0905 - No published segregation evidence has been identified for this variant. (I) 1007 - No published functional evidence has been identified for this variant. (I) Legend: (SP) - Supporting pathogenic, (I) - Information, (SB) - Supporting benign